The following is an entry in ClinVar:

NM_001271.4(CHD2):c.62+14A>C

Gene: CHD2 (chromodomain helicase DNA binding protein 2; plus strand). Cytogenetic location: 15q26.1.
Variant type: single nucleotide variant.
Coding change: c.62+14A>C on transcript NM_001271.4 (MANE Select); 14 bases into the intron after coding-DNA position 62, A replaced by C.
Molecular consequence: intron variant.
Genome position (GRCh38, 1-based): chr15:92,901,313, A>C. VCF-style: chr15-92901313-A-C. GRCh37 (hg19) VCF-style: chr15-93444543-A-C.
Other names: c.62+14A>C (NM_001042572.3).
Identifiers: ClinVar variation 509806 (VCV000509806.1), dbSNP rs1385339721, ClinGen allele CA393892495.

ClinVar aggregate classification (germline): Likely benign (1 of 4 stars; one submission).

Allele frequency attached by ClinVar (database versions not stated): TOPMed 0.00001.
gnomAD v4.1: 7 of 1,574,970 alleles (0.00044%); highest among the groups gnomAD compares: Non-Finnish European, 0.00052%; no homozygotes.

Submission:

GeneDx
Classification: Likely benign. Last evaluated: 2017-08-02. Review status: criteria provided, single submitter. Criteria: GeneDx Variant Classification (06012015). Collection method: clinical testing. Allele origin: germline. Affected: yes.
Comment: This variant is considered likely benign or benign based on one or more of the following criteria: it is a conservative change, it occurs at a poorly conserved position in the protein, it is predicted to be benign by multiple in silico algorithms, and/or has population frequency not consistent with disease.